The following is an entry in ClinVar:

ClinVar aggregate classification (germline): Likely benign (0 of 4 stars; one submission).

Conditions:
MYOZ2-related disorder. Also called: MYOZ2-related condition.

gnomAD v4.1: 3 of 1,614,054 alleles (0.00019%); highest among the groups gnomAD compares: African/African-American, 0.0027%; no homozygotes.

Submission:

PreventionGenetics, part of Exact Sciences
Classification: Likely benign for MYOZ2-related condition. Last evaluated: 2024-09-04. Review status: no assertion criteria provided. Collection method: clinical testing. Allele origin: germline.
Comment: This variant is classified as likely benign based on ACMG/AMP sequence variant interpretation guidelines (Richards et al. 2015 PMID: 25741868, with internal and published modifications).

NM_016599.5(MYOZ2):c.411A>G (p.Glu137=)

Gene: MYOZ2 (myozenin 2; plus strand). Cytogenetic location: 4q26.
Variant type: single nucleotide variant.
Coding change: c.411A>G on transcript NM_016599.5 (MANE Select); coding-DNA position 411, A replaced by G.
Protein change: p.Glu137=; no amino-acid change (glutamic acid 137 retained).
Molecular consequence: synonymous variant.
Genome position (GRCh38, 1-based): chr4:119,164,245, A>G. VCF-style: chr4-119164245-A-G. GRCh37 (hg19) VCF-style: chr4-120085400-A-G.
Identifiers: ClinVar variation 3344470 (VCV003344470.1).